The following is an entry in ClinVar:

ClinVar aggregate classification (germline): Likely pathogenic (1 of 4 stars; one submission).

Conditions:
Progressive familial intrahepatic cholestasis type 1. Also called: BYLER DISEASE; Severe ATP8B1 Deficiency (Progressive Familial Intrahepatic Cholestasis Type 1 [PFIC1]); Byler's disease. Identifiers: Orphanet 79306, MedGen C4551898, MONDO:0008892, OMIM 211600.

Submission:

Genetic and Metabolic Unit , CDC, Thiruvananthapuram, Government Medical College, Thiruvananthapuram
Classification: Likely pathogenic for Progressive familial intrahepatic cholestasis type 1. Review status: criteria provided, single submitter. Criteria: ACMG Guidelines, 2015. Collection method: clinical testing. Allele origin: germline. Inheritance: Autosomal recessive inheritance. Affected: yes. Observed: 2 homozygotes. Clinical features observed: Intrahepatic cholestasis with episodic jaundice (HP:0006575), Moderate intellectual disability (HP:0002342), Short stature (HP:0004322).
Comment: LSR:c.353G>C is a missense variant, resulting in amino acid change from Cysteine to Serine and this might cause a change in protein structure. This variant is absent in gnomAD. These data indicate that the variant is likely to be associated with the disease. Hence, the classification is Likely pathogenic.

Literature cited by the submitters: PubMed 32303357.

NM_205834.4(LSR):c.353G>C (p.Cys118Ser)

Gene: LSR (lipolysis stimulated lipoprotein receptor; plus strand). Cytogenetic location: 19q13.12.
Variant type: single nucleotide variant.
Coding change: c.353G>C on transcript NM_205834.4 (MANE Select); coding-DNA position 353, G replaced by C.
Protein change: p.Cys118Ser; replaces cysteine 118 with serine.
Molecular consequence: missense variant.
Genome position (GRCh38, 1-based): chr19:35,250,558, G>C. VCF-style: chr19-35250558-G-C. GRCh37 (hg19) VCF-style: chr19-35741461-G-C.
Other names: c.353G>C, p.Cys118Ser (NM_001260489.2, NM_001260490.2, NM_001385215.1 and 2 more transcripts); short protein forms C118S.
Identifiers: ClinVar variation 4277337 (VCV004277337.1).